The following is an entry in ClinVar:

NM_024334.3(TMEM43):c.639C>G (p.Asp213Glu)

Gene: TMEM43 (transmembrane protein 43; plus strand). Cytogenetic location: 3p25.1.
Variant type: single nucleotide variant.
Coding change: c.639C>G on transcript NM_024334.3 (MANE Select); coding-DNA position 639, C replaced by G.
Protein change: p.Asp213Glu; replaces aspartic acid 213 with glutamic acid.
Molecular consequence: missense variant.
Genome position (GRCh38, 1-based): chr3:14,134,825, C>G. VCF-style: chr3-14134825-C-G. GRCh37 (hg19) VCF-style: chr3-14176325-C-G.
Other names: c.642C>G, p.Asp214Glu (NM_001407274.1); c.639C>G, p.Asp213Glu (NM_001407275.1, NM_001407276.1, NM_001407277.1 and 1 more transcripts); c.624C>G, p.Asp208Glu (NM_001407278.1); c.489C>G, p.Asp163Glu (NM_001407280.1); short protein forms D163E, D208E, D213E, D214E.
Identifiers: ClinVar variation 3069850 (VCV003069850.1), dbSNP rs2470187932, ClinGen allele CA351535545.

ClinVar aggregate classification (germline): Uncertain significance (1 of 4 stars; one submission).

Conditions:
Arrhythmogenic right ventricular dysplasia 5. Also called: Arrhythmogenic Right Ventricular Dysplasia/Cardiomyopathy 5; ARRHYTHMOGENIC RIGHT VENTRICULAR DYSPLASIA, FAMILIAL, 5. Identifiers: MedGen C1858379, MONDO:0011459, OMIM 604400.

Submission:

All of Us Research Program, National Institutes of Health
Classification: Uncertain significance for Arrhythmogenic right ventricular dysplasia 5. Last evaluated: 2023-05-16. Review status: criteria provided, single submitter. Criteria: ACMG Guidelines, 2015. Collection method: clinical testing. Allele origin: germline. Inheritance: Autosomal dominant inheritance. Observed: 2 variant alleles, 2 heterozygotes.
Comment: This missense variant replaces aspartic acid with glutamic acid at codon 213 of the TMEM43 protein. Computational prediction suggests that this variant may not impact protein structure and function (internally defined REVEL score threshold <= 0.5, PMID: 27666373). To our knowledge, functional studies have not been reported for this variant. This variant has not been reported in individuals affected with TMEM43-related disorders in the literature. This variant has not been identified in the general population by the Genome Aggregation Database (gnomAD). The available evidence is insufficient to determine the role of this variant in disease conclusively. Therefore, this variant is classified as a Variant of Uncertain Significance.

This study involves interpretation of variants in research participants for the purpose of population health screening. Participant phenotype was not available at the time of variant classification. Additional details can be found in publication PMID: 35346344, PMCID: PMC8962531